The following is an entry in ClinVar:

ClinVar aggregate classification (germline): Pathogenic. Review status: criteria provided, multiple submitters, no conflicts (2 of 4 stars). 2 submissions from 2 submitters: Pathogenic (2). Last evaluated 2023-01-08.

Conditions:
Hereditary cancer-predisposing syndrome. Also called: Tumor predisposition; Neoplastic Syndromes, Hereditary; Hereditary Cancer Syndrome; Hereditary neoplastic syndrome. Identifiers: Orphanet 140162, MedGen C0027672, MeSH D009386, MONDO:0015356.

Submissions (2):

GeneDx
Classification: Pathogenic. Last evaluated: 2023-01-08. Review status: criteria provided, single submitter. Criteria: GeneDx Variant Classification Process June 2021. Collection method: clinical testing. Allele origin: germline. Affected: yes.
Comment: Reported previously in patients with a diagnosis of tuberous sclerosis complex; however, no further clinical information was provided (Meng et al., 2021; Yin et al., 2022); Canonical splice site variant expected to result in aberrant splicing, although in the absence of functional evidence the actual effect of this sequence change is unknown.; Not observed at significant frequency in large population cohorts (gnomAD); Deletions involving coding exons of this gene are a known mechanism of disease (HGMD); Also known as aka IVS26-2A>G; This variant is associated with the following publications: (PMID: 16114042, 17304050, 21309039, 32917966, 35596872)

Ambry Genetics
Classification: Pathogenic for Hereditary cancer-predisposing syndrome. Last evaluated: 2020-03-10. Review status: criteria provided, single submitter. Criteria: Ambry Variant Classification Scheme 2023. Collection method: clinical testing. Allele origin: germline.
Comment: The c.3132-2A>G intronic pathogenic mutation results from a A to G substitution two nucleotides upstream from coding exon 27 of the TSC2 gene. Two other TSC2 alterations (c.3132-2A>C and c.3284G>A) resulting in the same splice event (in-frame loss of coding exon 27) have been reported in individuals diagnosed with tuberous sclerosis (Rendtorff ND et al. Hum. Mutat., 2005 Oct;26:374-83; Au KS et al. Genet. Med., 2007 Feb;9:88-100). In addition to the clinical data presented in the literature, alterations that disrupt the canonical splice site are expected to cause aberrant splicing, resulting in an abnormal protein or a transcript that is subject to nonsense-mediated mRNA decay. As such, this alteration is classified as a disease-causing mutation.

Literature cited by the submitters: PubMed 16114042 (cited by Ambry Genetics); PubMed 17304050 (cited by Ambry Genetics); PubMed 21309039 (cited by Ambry Genetics).

NM_000548.5(TSC2):c.3132-2A>G

Gene: TSC2 (TSC complex subunit 2; plus strand). Cytogenetic location: 16p13.3.
Variant type: single nucleotide variant.
Coding change: c.3132-2A>G on transcript NM_000548.5 (MANE Select); the canonical splice acceptor site of the intron before coding-DNA position 3132, A replaced by G.
Molecular consequence: splice acceptor variant.
Genome position (GRCh38, 1-based): chr16:2,079,274, A>G. VCF-style: chr16-2079274-A-G. GRCh37 (hg19) VCF-style: chr16-2129275-A-G.
Other names: c.1656-2A>G (NM_001406696.1, NM_001406691.1, NM_001406697.1 and 1 more transcripts); c.2991-2A>G (NM_001406671.1); c.2988-2A>G (NM_001406673.1); c.2541-2A>G (NM_001406681.1); c.3021-2A>G (NM_001406670.1); c.2892-2A>G (NM_001318827.2); c.2889-2A>G (NM_001406678.1); c.2532-2A>G (NM_001406682.1, NM_001406680.1, NM_001406683.1); and 18 more.
Identifiers: ClinVar variation 1727977 (VCV001727977.3), dbSNP rs45517282, ClinGen allele CA394285109.